The following is an entry in ClinVar:

ClinVar aggregate classification (germline): Uncertain significance (1 of 4 stars; one submission).

Conditions:
Neurodevelopmental disorder with or without early-onset generalized epilepsy. Identifiers: MedGen C5436914, MONDO:0030930, OMIM 619157.

Allele frequency attached by ClinVar (database versions not stated): gnomAD exomes below 0.00001.
gnomAD v4.1: 1 of 1,611,324 alleles (0.000062%); highest among the groups gnomAD compares: Non-Finnish European, 0.000085%; no homozygotes.

Submission:

Neuberg Centre For Genomic Medicine, NCGM
Classification: Uncertain significance for Neurodevelopmental disorder with or without early-onset generalized epilepsy. Review status: criteria provided, single submitter. Criteria: ACMG Guidelines, 2015. Collection method: clinical testing. Allele origin: germline. Inheritance: Autosomal dominant inheritance. Affected: yes.
Comment: The missense variant c.3491G>Ap.Ser1164Asn in NBEA gene has not been reported previously as a pathogenic variant nor as a benign variant, to our knowledge. The p.Ser1164Asn variant is novel not in any individuals in gnomAD Exomes and 1000 Genomes. The amino acid Serine at position 1164 is changed to a Asparagine changing protein sequence and it might alter its composition and physico-chemical properties. The residue is conserved by GERP++ and PhyloP across 100 vertebrates. For these reasons, this variant has been classified as Uncertain Significance.

NM_001385012.1(NBEA):c.3491G>A (p.Ser1164Asn)

Gene: NBEA (neurobeachin; plus strand). Cytogenetic location: 13q13.3.
Variant type: single nucleotide variant.
Coding change: c.3491G>A on transcript NM_001385012.1 (MANE Select); coding-DNA position 3491, G replaced by A.
Protein change: p.Ser1164Asn; replaces serine 1164 with asparagine.
Molecular consequence: missense variant.
Genome position (GRCh38, 1-based): chr13:35,159,662, G>A. VCF-style: chr13-35159662-G-A. GRCh37 (hg19) VCF-style: chr13-35733799-G-A.
Other names: c.3491G>A, p.Ser1164Asn (NM_001379245.1, NM_015678.5); short protein forms S1164N.
Identifiers: ClinVar variation 3234850 (VCV003234850.1), dbSNP rs2503633846, ClinGen allele CA387837979.